The following is an entry in ClinVar:

ClinVar aggregate classification (germline): Pathogenic/Likely pathogenic. Review status: criteria provided, multiple submitters, no conflicts (2 of 4 stars). 2 submissions from 2 submitters: Pathogenic (1); Likely pathogenic (1). Last evaluated 2024-04-27.

Conditions:
Galactosylceramide beta-galactosidase deficiency. Also called: Leukodystrophy, Globoid Cell; Krabbe Disease; GALACTOCEREBROSIDASE DEFICIENCY; GALC DEFICIENCY; GLOBOID CELL LEUKOENCEPHALOPATHY. Identifiers: Orphanet 487, MedGen C0023521, MONDO:0009499, OMIM 245200.

Submissions (2):

Foundation for Research in Genetics and Endocrinology, FRIGE's Institute of Human Genetics
Classification: Pathogenic for Galactosylceramide beta-galactosidase deficiency. Last evaluated: 2024-04-27. Review status: criteria provided, single submitter. Criteria: ACMG Guidelines, 2015. Collection method: clinical testing. Allele origin: germline. Inheritance: Autosomal recessive inheritance. Affected: yes. Observed: 1 homozygote.
Comment: A homozygous duplication in exon 15 of the GALC gene that results in a frameshift and premature truncation of the protein 12 amino acids downstream to codon 573 was detected. The observed variant c.1717dup (p.Thr573AsnfsTer12) has not been reported in the 1000 genomes and gnomAD databases. The in silico prediction of the variant is damaging by MutationTaster. In summary, the variant meets our criteria to be classified as pathogenic.

Neuberg Centre For Genomic Medicine, NCGM
Classification: Likely pathogenic for Galactosylceramide beta-galactosidase deficiency. Review status: criteria provided, single submitter. Criteria: ACMG Guidelines, 2015. Collection method: clinical testing. Allele origin: germline. Inheritance: Autosomal recessive inheritance. Affected: yes.
Comment: The c.1717dup (p.Thr573AsnfsTer12) frameshift variant in GALC gene has not been reported previously as a pathogenic variant nor as a benign variant, to our knowledge. The p.Thr573AsnfsTer12 variant is novel (not in any individuals) in gnomAD Exomes and 1000 Genomes. This variant causes a frameshift starting with codon Threonine 573, changes this amino acid to Asparagine residue, and creates a premature Stop codon at position 12 of the new reading frame, denoted p.Thr573AsnfsTer12. This variant is predicted to cause loss of normal protein function through protein truncation. Loss of function variants have been previously reported to be disease causing. For these reasons, this variant has been classified as Likely Pathogenic

NM_000153.4(GALC):c.1717dup (p.Thr573fs)

Gene: GALC (galactosylceramidase; minus strand). Cytogenetic location: 14q31.3.
Variant type: Duplication.
Coding change: c.1717dup on transcript NM_000153.4 (MANE Select); coding-DNA position 1717, one base duplicated (A; older notation c.1717dupA).
Protein change: p.Thr573fs; shifts the reading frame from threonine 573.
Molecular consequence: frameshift variant. On other transcripts: non-coding transcript variant (1).
Genome position (GRCh38, 1-based): chr14:87,941,512, T duplicated on the plus strand (A on the coding strand, the reverse complement: GALC is on the minus strand). VCF-style (leftmost placement, unchanged base first): chr14-87941511-G-GT. GRCh37 (hg19) VCF-style: chr14-88407855-G-GT.
Other names: p.Thr573AsnfsTer12; c.1369dup, p.Thr457fs (NM_001424075.1, NM_001424074.1); c.1084dup, p.Thr362fs (NM_001424076.1, NM_001424077.1); c.1648dup, p.Thr550fs (NM_001201401.2); c.1639dup, p.Thr547fs (NM_001201402.2); c.1549dup, p.Thr517fs (NM_001424071.1, NM_001424072.1, NM_001424073.1); short protein forms T517fs, T547fs, T573fs, T550fs, T457fs, T362fs.
Identifiers: ClinVar variation 2585032 (VCV002585032.3), dbSNP rs2503340945, ClinGen allele CA2582341764.